The following is an entry in ClinVar:

ClinVar aggregate classification (germline): Benign (1 of 4 stars; one submission).

Allele frequency attached by ClinVar (database versions not stated): gnomAD 0.10954 and 0.11402; TOPMed 0.13237; 1000 Genomes Project 30x 0.15053; 1000 Genomes Project 0.15196.
gnomAD v4.1: 17,385 of 152,172 alleles (11%); highest among the groups gnomAD compares: Admixed American, 28%; 1,479 homozygotes.

Submissions (16):

GeneDx
Classification: Benign. Last evaluated: 2018-06-19. Review status: criteria provided, single submitter. Criteria: GeneDx Variant Classification (06012015). Collection method: clinical testing. Allele origin: germline. Affected: yes.
Comment: This variant is considered likely benign or benign based on one or more of the following criteria: it is a conservative change, it occurs at a poorly conserved position in the protein, it is predicted to be benign by multiple in silico algorithms, and/or has population frequency not consistent with disease.

Dr. Peter K. Rogan Lab, Western University
No classification provided (evidence only). Condition: Acute myeloid leukemia. Review status: no classification provided. Collection method: in vitro. Allele origin: not applicable. Functional consequence: skipped exon. Not counted in ClinVar's aggregate classification.

Dr. Peter K. Rogan Lab, Western University
No classification provided (evidence only). Condition: Acute myeloid leukemia. Review status: no classification provided. Collection method: in vitro. Allele origin: not applicable. Functional consequence: skipped exon. Not counted in ClinVar's aggregate classification.

Dr. Peter K. Rogan Lab, Western University
No classification provided (evidence only). Condition: Acute myeloid leukemia. Review status: no classification provided. Collection method: in vitro. Allele origin: not applicable. Functional consequence: retained intron. Not counted in ClinVar's aggregate classification.

Dr. Peter K. Rogan Lab, Western University
No classification provided (evidence only). Condition: Cervical cancer. Review status: no classification provided. Collection method: in vitro. Allele origin: not applicable. Functional consequence: retained intron. Not counted in ClinVar's aggregate classification.

Dr. Peter K. Rogan Lab, Western University
No classification provided (evidence only). Condition: Cervical cancer. Review status: no classification provided. Collection method: in vitro. Allele origin: not applicable. Functional consequence: retained intron. Not counted in ClinVar's aggregate classification.

Dr. Peter K. Rogan Lab, Western University
No classification provided (evidence only). Condition: Cervical cancer. Review status: no classification provided. Collection method: in vitro. Allele origin: not applicable. Functional consequence: skipped exon. Not counted in ClinVar's aggregate classification.

Dr. Peter K. Rogan Lab, Western University
No classification provided (evidence only). Condition: Cervical cancer. Review status: no classification provided. Collection method: in vitro. Allele origin: not applicable. Functional consequence: retained intron. Not counted in ClinVar's aggregate classification.

Dr. Peter K. Rogan Lab, Western University
No classification provided (evidence only). Condition: Cervical cancer. Review status: no classification provided. Collection method: in vitro. Allele origin: not applicable. Functional consequence: skipped exon. Not counted in ClinVar's aggregate classification.

Dr. Peter K. Rogan Lab, Western University
No classification provided (evidence only). Condition: Cervical cancer. Review status: no classification provided. Collection method: in vitro. Allele origin: not applicable. Functional consequence: skipped exon. Not counted in ClinVar's aggregate classification.

Dr. Peter K. Rogan Lab, Western University
No classification provided (evidence only). Condition: Sarcoma. Review status: no classification provided. Collection method: in vitro. Allele origin: not applicable. Functional consequence: retained intron. Not counted in ClinVar's aggregate classification.

Dr. Peter K. Rogan Lab, Western University
No classification provided (evidence only). Condition: Sarcoma. Review status: no classification provided. Collection method: in vitro. Allele origin: not applicable. Functional consequence: retained intron. Not counted in ClinVar's aggregate classification.

Dr. Peter K. Rogan Lab, Western University
No classification provided (evidence only). Condition: Sarcoma. Review status: no classification provided. Collection method: in vitro. Allele origin: not applicable. Functional consequence: retained intron. Not counted in ClinVar's aggregate classification.

Dr. Peter K. Rogan Lab, Western University
No classification provided (evidence only). Condition: Gastric cancer. Review status: no classification provided. Collection method: in vitro. Allele origin: not applicable. Functional consequence: retained intron. Not counted in ClinVar's aggregate classification.

Dr. Peter K. Rogan Lab, Western University
No classification provided (evidence only). Condition: Malignant tumor of esophagus. Review status: no classification provided. Collection method: in vitro. Allele origin: not applicable. Functional consequence: retained intron. Not counted in ClinVar's aggregate classification.

Dr. Peter K. Rogan Lab, Western University
No classification provided (evidence only). Condition: Malignant tumor of esophagus. Review status: no classification provided. Collection method: in vitro. Allele origin: not applicable. Functional consequence: skipped exon, retained intron. Not counted in ClinVar's aggregate classification.

NM_001005373.4(LRSAM1):c.1503+216C>T

Gene: LRSAM1 (leucine rich repeat and sterile alpha motif containing 1; plus strand). Cytogenetic location: 9q33.3.
Variant type: single nucleotide variant.
Coding change: c.1503+216C>T on transcript NM_001005373.4 (MANE Select); 216 bases into the intron after coding-DNA position 1503, C replaced by T.
Molecular consequence: intron variant.
Genome position (GRCh38, 1-based): chr9:127,491,511, C>T. VCF-style: chr9-127491511-C-T. GRCh37 (hg19) VCF-style: chr9-130253790-C-T.
Other names: NC_000009.11:g.130253790C>T; c.1503+216C>T (NM_138361.5, NM_001384142.1, NM_001384143.1 and 1 more transcripts); c.1423-1291C>T (NM_001190723.3); c.714+216C>T (NM_001384144.1).
Identifiers: ClinVar variation 683128 (VCV000683128.2), dbSNP rs10987669, ClinGen allele CA15620839.